The following is an entry in ClinVar:

NM_001378120.1(MBD5):c.1039C>T (p.Gln347Ter)

Gene: MBD5 (methyl-CpG binding domain protein 5; plus strand). Cytogenetic location: 2q23.1.
Variant type: single nucleotide variant.
Coding change: c.1039C>T on transcript NM_001378120.1 (MANE Select); coding-DNA position 1039, C replaced by T.
Protein change: p.Gln347Ter; replaces glutamine 347 with a stop codon.
Molecular consequence: nonsense.
Genome position (GRCh38, 1-based): chr2:148,468,982, C>T. VCF-style: chr2-148468982-C-T. GRCh37 (hg19) VCF-style: chr2-149226551-C-T.
Other names: c.1039C>T, p.Gln347Ter (NM_018328.5); short protein forms Q347*.
Identifiers: ClinVar variation 620414 (VCV000620414.1), dbSNP rs1559086213, ClinGen allele CA348718241.

ClinVar aggregate classification (germline): Pathogenic (1 of 4 stars; one submission).

Submission:

GeneDx
Classification: Pathogenic. Last evaluated: 2018-10-24. Review status: criteria provided, single submitter. Criteria: GeneDx Variant Classification (06012015). Collection method: clinical testing. Allele origin: germline. Affected: yes.
Comment: The Q347X variant in the MBD5 gene has not been reported previously as a pathogenic variant nor as a benign variant, to our knowledge. This variant is predicted to cause loss of normal protein function either through protein truncation or nonsense-mediated mRNA decay. The Q347X variant is not observed in large population cohorts (Lek et al., 2016). We interpret Q347X as a pathogenic variant